The following is an entry in ClinVar:

ClinVar aggregate classification (germline): Uncertain significance (1 of 4 stars; one submission).

Conditions:
Immunodeficiency 35 (IMD35). Also called: HIES WITH ATYPICAL MYCOBACTERIOSIS, AUTOSOMAL RECESSIVE; HYPER-IgE SYNDROME WITH ATYPICAL MYCOBACTERIOSIS, AUTOSOMAL RECESSIVE; TYK2 DEFICIENCY; Susceptibility to infection due to TYK2 deficiency. Identifiers: Orphanet 331226, MedGen C1969086, MONDO:0012682, OMIM 611521.

Allele frequency attached by ClinVar (database versions not stated): ExAC 0.00005; gnomAD exomes 0.00005; TOPMed 0.00008; ESP Exome Variant Server 0.00023.
gnomAD v4.1: 48 of 1,613,860 alleles (0.003%); highest among the groups gnomAD compares: African/African-American, 0.052%; no homozygotes.

Submission:

Labcorp Genetics (formerly Invitae), Labcorp
Classification: Uncertain significance for Immunodeficiency 35. Last evaluated: 2022-09-01. Review status: criteria provided, single submitter. Criteria: Invitae Variant Classification Sherloc (09022015). Collection method: clinical testing. Allele origin: germline.
Comment: This sequence change replaces methionine, which is neutral and non-polar, with arginine, which is basic and polar, at codon 564 of the TYK2 protein (p.Met564Arg). This variant is present in population databases (rs72561470, gnomAD 0.05%). This variant has not been reported in the literature in individuals affected with TYK2-related conditions. ClinVar contains an entry for this variant (Variation ID: 1003214). Algorithms developed to predict the effect of missense changes on protein structure and function output the following: SIFT: "Not Available"; PolyPhen-2: "Benign"; Align-GVGD: "Not Available". The arginine amino acid residue is found in multiple mammalian species, which suggests that this missense change does not adversely affect protein function. Algorithms developed to predict the effect of sequence changes on RNA splicing suggest that this variant may create or strengthen a splice site. In summary, the available evidence is currently insufficient to determine the role of this variant in disease. Therefore, it has been classified as a Variant of Uncertain Significance.

NM_003331.5(TYK2):c.1691T>G (p.Met564Arg)

Gene: TYK2 (tyrosine kinase 2; minus strand). Cytogenetic location: 19p13.2.
Variant type: single nucleotide variant.
Coding change: c.1691T>G on transcript NM_003331.5 (MANE Select); coding-DNA position 1691, T replaced by G.
Protein change: p.Met564Arg; replaces methionine 564 with arginine.
Molecular consequence: missense variant.
Genome position (GRCh38, 1-based): chr19:10,362,160, A>C on the plus strand (T>G on the coding strand, the complement: TYK2 is on the minus strand). VCF-style: chr19-10362160-A-C. GRCh37 (hg19) VCF-style: chr19-10472836-A-C.
Other names: c.1691T>G, p.Met564Arg (NM_001385197.1, NM_001385198.1, NM_001385199.1 and 5 more transcripts); c.1493T>G, p.Met498Arg (NM_001385201.1); c.1601T>G, p.Met534Arg (NM_001385205.1); c.1565T>G, p.Met522Arg (NM_001385206.1); short protein forms M498R, M522R, M534R, M564R.
Identifiers: ClinVar variation 1003214 (VCV001003214.6), dbSNP rs72561470, ClinGen allele CA9193332.